The following is an entry in ClinVar:

ClinVar aggregate classification (germline): Uncertain significance. Review status: criteria provided, multiple submitters, no conflicts (2 of 4 stars). 2 submissions from 2 submitters: Uncertain significance (2). Last evaluated 2025-10-21.

Allele frequency attached by ClinVar (database versions not stated): gnomAD exomes 0.00001.
gnomAD v4.1: 12 of 1,611,222 alleles (0.00074%); highest among the groups gnomAD compares: Non-Finnish European, 0.00076%; no homozygotes.

Submissions (2):

Women's Health and Genetics/Laboratory Corporation of America, LabCorp
Classification: Uncertain significance. Last evaluated: 2025-10-21. Review status: criteria provided, single submitter. Criteria: LabCorp Variant Classification Summary - May 2015. Collection method: clinical testing. Allele origin: germline.
Comment: Variant summary: TTN c.10360+3934A>G is located at a position not widely known to affect splicing. This variant corresponds to c.11311+3934A>G in NM_001267550. Consensus agreement among computation tools predicts no significant impact on normal splicing. However, these predictions have yet to be confirmed by functional studies. This variant is also annotated as c.13210A>G (p.Arg4404Gly) in NM_133379 and results in a non-conservative amino acid change in the encoded protein sequence. Algorithms developed to predict the effect of missense changes on protein structure and function are either unavailable or do not agree on the potential impact of this missense change. The variant allele was found at a frequency of 1.2e-05 in 248806 control chromosomes in the gnomAD database. The available data on variant occurrences in the general population are insufficient to allow any conclusion about variant significance. c.10360+3934A>G has been observed in an individual affected with Dilated Cardiomyopathy (DCM); however, no supportive evidence was provided for causality (Pugh_2014). To our knowledge, no experimental evidence demonstrating an impact on protein function has been reported. The following publication have been ascertained in the context of this evaluation (PMID: 24503780). ClinVar contains an entry for this variant (Variation ID: 47750). Based on the evidence outlined above, the variant was classified as uncertain significance.

Laboratory for Molecular Medicine, Mass General Brigham Personalized Medicine
Classification: Uncertain significance. Last evaluated: 2012-01-03. Review status: criteria provided, single submitter. Criteria: LMM Criteria. Collection method: clinical testing. Allele origin: germline. Observed: 1 variant allele.
Comment: The Arg4404Gly variant (TTN) has not been previously reported nor previously ide ntified by our laboratory. Conservation information is unavailable for this vari ant. Computational predictions on the impact to the protein are mixed (PolyPhen2 = benign, SIFT = pathogenic), though the accuracy of these tools is unknown. Ad ditional information is needed to fully assess the clinical significance of the Arg4404Gly variant.

Literature cited by the submitters: PubMed 24503780 (cited by Women's Health and Genetics/Laboratory Corporation of America, LabCorp).

NM_133379.5(TTN):c.13210A>G (p.Arg4404Gly)

Gene: TTN (titin; minus strand). Cytogenetic location: 2q31.2.
Variant type: single nucleotide variant.
Coding change: c.13210A>G on transcript NM_133379.5; coding-DNA position 13210, A replaced by G.
Protein change: p.Arg4404Gly; replaces arginine 4404 with glycine.
Molecular consequence: missense variant. On other transcripts: intron variant (6).
Genome position (GRCh38, 1-based): chr2:178,749,190, T>C on the plus strand (A>G on the coding strand, the complement: TTN is on the minus strand). VCF-style: chr2-178749190-T-C. GRCh37 (hg19) VCF-style: chr2-179613917-T-C.
Other names: c.10222+3934A>G (NM_003319.4); c.10798+3934A>G (NM_133437.4); c.10597+3934A>G (NM_133432.3); c.10360+3934A>G (NM_133378.4, NM_001256850.1); c.11311+3934A>G (NM_001267550.2); short protein forms R4404G.
Identifiers: ClinVar variation 47750 (VCV000047750.6), dbSNP rs397517807, ClinGen allele CA141826.